The following is an entry in ClinVar:

NM_003919.3(SGCE):c.754A>G (p.Met252Val)

Genes: CASD1 (CAS1 domain sialic acid O acetyltransferase 1; plus strand), SGCE (sarcoglycan epsilon; minus strand). Cytogenetic location: 7q21.3.
Variant type: single nucleotide variant.
Coding change: c.754A>G on transcript NM_003919.3 (MANE Select); coding-DNA position 754, A replaced by G.
Protein change: p.Met252Val; replaces methionine 252 with valine.
Molecular consequence: missense variant.
Genome position (GRCh38, 1-based): chr7:94,603,361, T>C on the plus strand (A>G on the coding strand, the complement: SGCE is on the minus strand). VCF-style: chr7-94603361-T-C. GRCh37 (hg19) VCF-style: chr7-94232673-T-C.
Other names: c.754A>G, p.Met252Val (NM_001099400.2, NM_001099401.2, NM_001346717.2); c.631A>G, p.Met211Val (NM_001301139.2, NM_001362809.2); c.862A>G, p.Met288Val (NM_001346713.2, NM_001346715.2); c.667A>G, p.Met223Val (NM_001346719.2, NM_001362807.2); c.481A>G, p.Met161Val (NM_001346720.2, NM_001362808.2); short protein forms M252V, M161V, M223V, M211V, M288V.
Identifiers: ClinVar variation 1977836 (VCV001977836.5), dbSNP rs2484973637, ClinGen allele CA368232185.

ClinVar aggregate classification (germline): Uncertain significance (1 of 4 stars; one submission).

Conditions:
Myoclonic dystonia 11 (DYT11). Also called: DYT-SGCE; Myoclonic dystonia; Dystonia 11; Dystonia, alcohol responsive; Hereditary essential myoclonus; SGCE Myoclonus-Dystonia. Identifiers: Orphanet 36899, MedGen C1834570, MONDO:0008044, OMIM 159900.

Submission:

Labcorp Genetics (formerly Invitae), Labcorp
Classification: Uncertain significance for Myoclonic dystonia 11. Last evaluated: 2022-05-12. Review status: criteria provided, single submitter. Criteria: Invitae Variant Classification Sherloc (09022015). Collection method: clinical testing. Allele origin: germline.
Comment: Algorithms developed to predict the effect of missense changes on protein structure and function are either unavailable or do not agree on the potential impact of this missense change (SIFT: "Tolerated"; PolyPhen-2: "Possibly Damaging"; Align-GVGD: "Class C0"). In summary, the available evidence is currently insufficient to determine the role of this variant in disease. Therefore, it has been classified as a Variant of Uncertain Significance. This variant has not been reported in the literature in individuals affected with SGCE-related conditions. This variant is not present in population databases (gnomAD no frequency). This sequence change replaces methionine, which is neutral and non-polar, with valine, which is neutral and non-polar, at codon 252 of the SGCE protein (p.Met252Val).